The following is an entry in ClinVar:

ClinVar aggregate classification (germline): Benign/Likely benign. Review status: criteria provided, multiple submitters, no conflicts (2 of 4 stars). 2 submissions from 2 submitters: Benign (1); Likely benign (1). Last evaluated 2024-11-15.

Submissions (2):

Blueprint Genetics
Classification: Likely benign. Last evaluated: 2024-11-15. Review status: criteria provided, single submitter. Criteria: ACMG Guidelines, 2015. Collection method: clinical testing. Allele origin: germline.

CeGaT Center for Human Genetics Tuebingen
Classification: Benign. Last evaluated: 2024-08-01. Review status: criteria provided, single submitter. Criteria: CeGaT Center For Human Genetics Tuebingen Variant Classification Criteria Version 2. Collection method: clinical testing. Allele origin: germline. Affected: yes. Observed: 6 variant alleles.
Comment: DSPP: BS1, BS2

NM_014208.3(DSPP):c.3655AGC[1] (p.Ser1220del)

Genes: DMP1-AS1 (DMP1 and DSPP antisense RNA 1; minus strand), DSPP (dentin sialophosphoprotein; plus strand). Cytogenetic location: 4q22.1.
Variant type: Microsatellite.
Coding change: c.3655AGC[1] on transcript NM_014208.3 (MANE Select); one copy of the 3-base unit AGC starting at c.3655; the reference has two copies in a row; one copy, 3 bases deleted.
Protein change: p.Ser1220del; deletes serine 1220.
Molecular consequence: inframe deletion.
Genome position (GRCh38, 1-based): chr4:87,616,320-87,616,322, AGC deleted; deleting any 3 consecutive bases within chr4:87,616,316-87,616,322 gives the same sequence; the position shown is the placement nearest the transcript's 3' end. VCF-style (leftmost placement, unchanged base first): chr4-87616315-ACAG-A. GRCh37 (hg19) VCF-style: chr4-88537467-ACAG-A.
Other names: short protein forms S1220del.
Identifiers: ClinVar variation 2654932 (VCV002654932.25), dbSNP rs759543504, ClinGen allele CA3001853.
Genomic context (GRCh38, chr4:87,616,315, plus strand): 5'-GCAGCGACAGCAGCGATAGTAGTGATAGCAGTGACAGCAGTGACAGCAGCGACAGCAGTG[ACAG>A]CAGCGACAGCAGTGACAGCAGCGACAGCAGTGACAGCAATGAAAGCAGCGACAGCAGTGA-3'